The following is an entry in ClinVar:

NM_003742.4(ABCB11):c.3094G>A (p.Gly1032Arg)

Gene: ABCB11 (ATP binding cassette subfamily B member 11; minus strand). Cytogenetic location: 2q31.1.
Variant type: single nucleotide variant.
Coding change: c.3094G>A on transcript NM_003742.4 (MANE Select); coding-DNA position 3094, G replaced by A.
Protein change: p.Gly1032Arg; replaces glycine 1032 with arginine.
Molecular consequence: missense variant.
Genome position (GRCh38, 1-based): chr2:168,932,496, C>T on the plus strand (G>A on the coding strand, the complement: ABCB11 is on the minus strand). VCF-style: chr2-168932496-C-T. GRCh37 (hg19) VCF-style: chr2-169789006-C-T.
Other names: NM_003742.4:c.3094G>A; short protein forms G1032R.
Identifiers: ClinVar variation 3776894 (VCV003776894.1).

ClinVar aggregate classification (germline): Uncertain significance (1 of 4 stars; one submission).

Conditions:
Progressive familial intrahepatic cholestasis (PFIC). Also called: Progressive intrahepatic cholestasis; Progressive family intrahepatic cholestasis. Identifiers: Orphanet 172, MedGen C0268312, MONDO:0015762.

gnomAD v4.1: 1 of 1,613,626 alleles (0.000062%); highest among the groups gnomAD compares: South Asian, 0.0011%; no homozygotes.

Submission:

Broad Center for Mendelian Genomics, Broad Institute of MIT and Harvard
Classification: Uncertain significance for Progressive familial intrahepatic cholestasis. Last evaluated: 2025-02-05. Review status: criteria provided, single submitter. Criteria: ACMG Guidelines, 2015. Collection method: curation. Allele origin: germline. Inheritance: Autosomal recessive inheritance.
Comment: The p.Gly1032Arg variant in ABCB11 has has not been previously reported in the literature in individuals with BSEP deficiency, but has been identified in 0.001% (1/90938) of South Asian chromosomes by the Genome Aggregation Database (gnomAD). Although this variant has been seen in the general population in a heterozygous state, its frequency is low enough to be consistent with a recessive carrier frequency. Computational prediction tools and conservation analyses suggest that this variant may impact the protein, though this information is not predictive enough to determine pathogenicity. One additional likely pathogenic variant, inducing the same amino acid change as this variant (c.3094G>C), has been reported in association with BSEP deficiency in ClinVar, supporting that this variant may be pathogenic (Variation ID: 1498315). In summary, the clinical significance of the p.Gly1032Arg variant is uncertain. ACMG/AMP Criteria applied: PP3_moderate, PS1_moderate, PM2_supporting (Richards 2015).